The following is an entry in ClinVar:

NM_002354.3(EPCAM):c.441A>T (p.Glu147Asp)

Gene: EPCAM (epithelial cell adhesion molecule; plus strand). Cytogenetic location: 2p21.
Variant type: single nucleotide variant.
Coding change: c.441A>T on transcript NM_002354.3 (MANE Select); coding-DNA position 441, A replaced by T.
Protein change: p.Glu147Asp; replaces glutamic acid 147 with aspartic acid.
Molecular consequence: missense variant.
Genome position (GRCh38, 1-based): chr2:47,375,249, A>T. VCF-style: chr2-47375249-A-T. GRCh37 (hg19) VCF-style: chr2-47602388-A-T.
Other names: short protein forms E147D.
Identifiers: ClinVar variation 2447104 (VCV002447104.2), dbSNP rs1671392125, ClinGen allele CA346723562.

ClinVar aggregate classification (germline): Uncertain significance (1 of 4 stars; one submission).

Conditions:
Hereditary cancer-predisposing syndrome. Also called: Neoplastic Syndromes, Hereditary; Hereditary Cancer Syndrome; Tumor predisposition; Hereditary neoplastic syndrome. Identifiers: Orphanet 140162, MedGen C0027672, MeSH D009386, MONDO:0015356.

Submission:

Ambry Genetics
Classification: Uncertain significance for Hereditary cancer-predisposing syndrome. Last evaluated: 2023-03-02. Review status: criteria provided, single submitter. Criteria: Ambry Variant Classification Scheme 2023. Collection method: clinical testing. Allele origin: germline.
Comment: The p.E147D variant (also known as c.441A>T), located in coding exon 4 of the EPCAM gene, results from an A to T substitution at nucleotide position 441. The glutamic acid at codon 147 is replaced by aspartic acid, an amino acid with highly similar properties. This amino acid position is conserved. In addition, the in silico prediction for this alteration is inconclusive. Since supporting evidence is limited at this time, the clinical significance of this alteration remains unclear.